The following is an entry in ClinVar:

ClinVar aggregate classification (germline): Pathogenic/Likely pathogenic. Review status: criteria provided, multiple submitters, no conflicts (2 of 4 stars). 2 submissions from 2 submitters: Pathogenic (1); Likely pathogenic (1). Last evaluated 2024-03-27.

Conditions:
Usher syndrome type 2C. Also called: Usher syndrome, type 2B; USHER SYNDROME, TYPE IIC. Identifiers: Orphanet 231178, Orphanet 886, MedGen C2931213, MONDO:0011558, OMIM 605472.
Febrile seizures, familial, 4 (FEB4). Also called: CONVULSIONS, FAMILIAL FEBRILE, 4. Identifiers: MedGen C1858493, MONDO:0011443, OMIM 604352.

Allele frequency attached by ClinVar (database versions not stated): TOPMed below 0.00001.

Submissions (2):

Fulgent Genetics
Classification: Likely pathogenic for Febrile seizures, familial, 4; Usher syndrome type 2C. Last evaluated: 2024-03-27. Review status: criteria provided, single submitter. Criteria: ACMG Guidelines, 2015. Collection method: clinical testing. Allele origin: germline.

Labcorp Genetics (formerly Invitae), Labcorp
Classification: Pathogenic. Last evaluated: 2023-09-19. Review status: criteria provided, single submitter. Criteria: Invitae Variant Classification Sherloc (09022015). Collection method: clinical testing. Allele origin: germline.
Comment: For these reasons, this variant has been classified as Pathogenic. This variant has not been reported in the literature in individuals affected with ADGRV1-related conditions. This variant is not present in population databases (gnomAD no frequency). This sequence change creates a premature translational stop signal (p.Ser1524*) in the ADGRV1 gene. It is expected to result in an absent or disrupted protein product. Loss-of-function variants in ADGRV1 are known to be pathogenic (PMID: 19357117, 22135276, 22147658, 26226137, 30718709, 31047384, 32467589).

Literature cited by the submitters: PubMed 19357117 (cited by Labcorp Genetics (formerly Invitae), Labcorp); PubMed 22135276 (cited by Labcorp Genetics (formerly Invitae), Labcorp); PubMed 22147658 (cited by Labcorp Genetics (formerly Invitae), Labcorp); PubMed 26226137 (cited by Labcorp Genetics (formerly Invitae), Labcorp); PubMed 30718709 (cited by Labcorp Genetics (formerly Invitae), Labcorp); PubMed 31047384 (cited by Labcorp Genetics (formerly Invitae), Labcorp); PubMed 32467589 (cited by Labcorp Genetics (formerly Invitae), Labcorp).

NM_032119.4(ADGRV1):c.4571C>G (p.Ser1524Ter)

Gene: ADGRV1 (adhesion G protein-coupled receptor V1; plus strand). Cytogenetic location: 5q14.3.
Variant type: single nucleotide variant.
Coding change: c.4571C>G on transcript NM_032119.4 (MANE Select); coding-DNA position 4571, C replaced by G.
Protein change: p.Ser1524Ter; replaces serine 1524 with a stop codon.
Molecular consequence: nonsense. On other transcripts: non-coding transcript variant (1).
Genome position (GRCh38, 1-based): chr5:90,658,097, C>G. VCF-style: chr5-90658097-C-G. GRCh37 (hg19) VCF-style: chr5-89953914-C-G.
Other names: short protein forms S1524*.
Identifiers: ClinVar variation 2867641 (VCV002867641.4), dbSNP rs1043304361, ClinGen allele CA121841207.
Genomic context (GRCh38, chr5:90,658,097, plus strand): 5'-AAAGTGATTTACACCCAATTTCTGGATATCTGGAGTTCAGACAGGGAGAAACTAACAAAT[C>G]ATTCATTATTTCTGCAAGAGATGACAATGACGAGGAAGGAGAAGAATTATTCATTCTTAA-3'